The following is an entry in ClinVar:

NM_001184785.2(PARD3):c.*4C>T

Gene: PARD3 (par-3 family cell polarity regulator; minus strand). Cytogenetic location: 10p11.22.
Variant type: single nucleotide variant.
Coding change: c.*4C>T on transcript NM_001184785.2 (MANE Select); 4 bases downstream of the stop codon, C replaced by T.
Molecular consequence: 3 prime UTR variant.
Genome position (GRCh38, 1-based): chr10:34,111,165, G>A on the plus strand (C>T on the coding strand, the complement: PARD3 is on the minus strand). VCF-style: chr10-34111165-G-A. GRCh37 (hg19) VCF-style: chr10-34400093-G-A.
Other names: c.*4C>T (NM_001184786.2, NM_001184787.2, NM_001184788.2 and 4 more transcripts).
Identifiers: ClinVar variation 3056597 (VCV003056597.2), dbSNP rs41276090, ClinGen allele CA5467076.

ClinVar aggregate classification (germline): Benign (0 of 4 stars; one submission).

Conditions:
PARD3-related disorder. Also called: PARD3-related condition.

Allele frequency attached by ClinVar (database versions not stated): 1000 Genomes Project 0.00799; 1000 Genomes Project 30x 0.00828; ESP Exome Variant Server 0.01493.
gnomAD v4.1: 31,483 of 1,534,906 alleles (2.1%); highest among the groups gnomAD compares: Non-Finnish European, 2.4%; 399 homozygotes.

Submission:

PreventionGenetics, part of Exact Sciences
Classification: Benign for PARD3-related condition. Last evaluated: 2020-01-20. Review status: no assertion criteria provided. Collection method: clinical testing. Allele origin: germline.
Comment: This variant is classified as benign based on ACMG/AMP sequence variant interpretation guidelines (Richards et al. 2015 PMID: 25741868, with internal and published modifications).